The following is an entry in ClinVar:

ClinVar aggregate classification (germline): Uncertain significance (1 of 4 stars; one submission).

Conditions:
Generalized epilepsy with febrile seizures plus, type 7 (GEFSP7). Also called: GEFS+, TYPE 7. Identifiers: Orphanet 36387, MedGen C2751778, MONDO:0013470, OMIM 613863.
Neuropathy, hereditary sensory and autonomic, type 2A (HSAN2A). Also called: WNK1-Related HSAN2 (HSAN2A); MORVAN DISEASE; NEUROPATHY, CONGENITAL SENSORY; NEUROPATHY, HEREDITARY SENSORY RADICULAR, AUTOSOMAL RECESSIVE; NEUROPATHY, HEREDITARY SENSORY, TYPE IIA; NEUROPATHY, PROGRESSIVE SENSORY, OF CHILDREN. Identifiers: Orphanet 970, MedGen C2752089, MONDO:0024309, OMIM 201300.

Submission:

Labcorp Genetics (formerly Invitae), Labcorp
Classification: Uncertain significance for Neuropathy, hereditary sensory and autonomic, type 2A; Generalized epilepsy with febrile seizures plus, type 7. Last evaluated: 2019-04-08. Review status: criteria provided, single submitter. Criteria: Invitae Variant Classification Sherloc (09022015). Collection method: clinical testing. Allele origin: germline.
Comment: This sequence change replaces leucine with valine at codon 855 of the SCN9A protein (p.Leu855Val). The leucine residue is highly conserved and there is a small physicochemical difference between leucine and valine. This variant is not present in population databases (ExAC no frequency). This variant has not been reported in the literature in individuals with SCN9A-related conditions. Algorithms developed to predict the effect of missense changes on protein structure and function (SIFT, PolyPhen-2, Align-GVGD) all suggest that this variant is likely to be disruptive, but these predictions have not been confirmed by published functional studies and their clinical significance is uncertain. Algorithms developed to predict the effect of sequence changes on RNA splicing suggest that this variant may create or strengthen a splice site, but this prediction has not been confirmed by published transcriptional studies. In summary, the available evidence is currently insufficient to determine the role of this variant in disease. Therefore, it has been classified as a Variant of Uncertain Significance.

NM_001365536.1(SCN9A):c.2596C>G (p.Leu866Val)

Genes: SCN1A-AS1 (SCN1A and SCN9A antisense RNA 1; plus strand), SCN9A (sodium voltage-gated channel alpha subunit 9; minus strand). Cytogenetic location: 2q24.3.
Variant type: single nucleotide variant.
Coding change: c.2596C>G on transcript NM_001365536.1 (MANE Select); coding-DNA position 2596, C replaced by G.
Protein change: p.Leu866Val; replaces leucine 866 with valine.
Molecular consequence: missense variant.
Genome position (GRCh38, 1-based): chr2:166,277,261, G>C on the plus strand (C>G on the coding strand, the complement: SCN9A is on the minus strand). VCF-style: chr2-166277261-G-C. GRCh37 (hg19) VCF-style: chr2-167133771-G-C.
Other names: c.2563C>G, p.Leu855Val (NM_002977.4); short protein forms L855V, L866V.
Identifiers: ClinVar variation 856437 (VCV000856437.10), dbSNP rs1697277459, ClinGen allele CA349077991.